The following is an entry in ClinVar:

NM_000424.4(KRT5):c.1124A>G (p.His375Arg)

Genes: KRT5 (keratin 5; minus strand), LOC126861525 (BRD4-independent group 4 enhancer GRCh37_chr12:52909857-52911056; plus strand). Cytogenetic location: 12q13.13.
Variant type: single nucleotide variant.
Coding change: c.1124A>G on transcript NM_000424.4 (MANE Select); coding-DNA position 1124, A replaced by G.
Protein change: p.His375Arg; replaces histidine 375 with arginine.
Molecular consequence: missense variant.
Genome position (GRCh38, 1-based): chr12:52,517,201, T>C on the plus strand (A>G on the coding strand, the complement: KRT5 is on the minus strand). VCF-style: chr12-52517201-T-C. GRCh37 (hg19) VCF-style: chr12-52910985-T-C.
Other names: short protein forms H375R.
Identifiers: ClinVar variation 2395495 (VCV002395495.6), dbSNP rs757166763, ClinGen allele CA6582621.

ClinVar aggregate classification (germline): Uncertain significance. Review status: criteria provided, multiple submitters, no conflicts (2 of 4 stars). 2 submissions from 2 submitters: Uncertain significance (2). Last evaluated 2025-09-05.

Conditions:
Inborn genetic diseases. Identifiers: MedGen C0950123, MeSH D030342.

Allele frequency attached by ClinVar (database versions not stated): gnomAD 0.00002; gnomAD exomes 0.00003; TOPMed 0.00007; ExAC 0.00010.
gnomAD v4.1: 55 of 1,613,940 alleles (0.0034%); highest among the groups gnomAD compares: Admixed American, 0.07%; no homozygotes.

Submissions (2):

Ambry Genetics
Classification: Uncertain significance for Inborn genetic diseases. Last evaluated: 2025-09-05. Review status: criteria provided, single submitter. Criteria: Ambry Variant Classification Scheme 2023. Collection method: clinical testing. Allele origin: germline.

Labcorp Genetics (formerly Invitae), Labcorp
Classification: Uncertain significance. Last evaluated: 2023-10-23. Review status: criteria provided, single submitter. Criteria: Invitae Variant Classification Sherloc (09022015). Collection method: clinical testing. Allele origin: germline.
Comment: This sequence change replaces histidine, which is basic and polar, with arginine, which is basic and polar, at codon 375 of the KRT5 protein (p.His375Arg). This variant is present in population databases (rs757166763, gnomAD 0.07%). This variant has not been reported in the literature in individuals affected with KRT5-related conditions. ClinVar contains an entry for this variant (Variation ID: 2395495). Advanced modeling of protein sequence and biophysical properties (such as structural, functional, and spatial information, amino acid conservation, physicochemical variation, residue mobility, and thermodynamic stability) has been performed at Invitae for this missense variant, however the output from this modeling did not meet the statistical confidence thresholds required to predict the impact of this variant on KRT5 protein function. In summary, the available evidence is currently insufficient to determine the role of this variant in disease. Therefore, it has been classified as a Variant of Uncertain Significance.